The following is an entry in ClinVar:

NM_007294.4(BRCA1):c.4710_4740dup (p.Glu1581delinsLeuLeuTer)

Gene: BRCA1 (BRCA1 DNA repair associated; minus strand). Cytogenetic location: 17q21.31.
Variant type: Duplication.
Coding change: c.4710_4740dup on transcript NM_007294.4 (MANE Select); coding-DNA positions 4710 to 4740, 31 bases duplicated.
Protein change: p.Glu1581delinsLeuLeuTer.
Molecular consequence: nonsense. On other transcripts: frameshift variant (364), non-coding transcript variant (1).
Genome position (GRCh38, 1-based): chr17:43,071,174-43,071,204, 31 bases duplicated; duplicating any 31 consecutive bases within chr17:43,071,174-43,071,206 gives the same sequence; the c. name uses the placement nearest the transcript's 3' end. GRCh37 (hg19): chr17:41,223,193-41,223,223.
Other names: c.4710_4740dupCTTCTCTGATGACCCTGAATCTGATCCTTCT (NM_007294.3); c.4495_4525dup, p.Glu1510Leufs (NM_001407571.1, NM_001407894.1, NM_001407895.1 and 12 more transcripts); c.4774_4804dup, p.Glu1603Leufs (NM_001407581.1, NM_001407582.1); c.4771_4801dup, p.Glu1602Leufs (NM_001407583.1, NM_001407585.1, NM_001407587.1); c.4768_4798dup, p.Glu1601Leufs (NM_001407590.1, NM_001407591.1); c.4708_4738dup, p.Glu1581Leufs (NM_001407593.1, NM_001407594.1, NM_001407596.1 and 8 more transcripts); c.4705_4735dup, p.Glu1580Leufs (NM_001407610.1, NM_001407611.1, NM_001407612.1 and 17 more transcripts); c.4702_4732dup, p.Glu1579Leufs (NM_001407627.1, NM_001407628.1, NM_001407629.1 and 14 more transcripts); and 74 more.
Identifiers: ClinVar variation 1410828 (VCV001410828.11), dbSNP rs2153881466, ClinGen allele CA2573154037.
Genomic context (GRCh38, chr17:43,071,173, plus strand): 5'-TCAATGCAGAGGTTGAAGATGGTATGTTGCCAACACGAGCTGACTCTGGGGCTCTGTCTT[C>CAGAAGGATCAGATTCAGGGTCATCAGAGAAG]AGAAGGATCAGATTCAGGGTCATCAGAGAAGAGGCTGATTCCAGATTCCAGGTAAGGGGT-3'

ClinVar aggregate classification (germline): Pathogenic. Review status: criteria provided, multiple submitters, no conflicts (2 of 4 stars). 2 submissions from 2 submitters: Pathogenic (2). Last evaluated 2021-01-29.

Conditions:
Hereditary cancer-predisposing syndrome. Also called: Hereditary Cancer Syndrome; Tumor predisposition; Hereditary neoplastic syndrome; Neoplastic Syndromes, Hereditary. Identifiers: Orphanet 140162, MedGen C0027672, MeSH D009386, MONDO:0015356.
Hereditary breast ovarian cancer syndrome. Also called: Hereditary breast and ovarian cancer syndrome (HBOC); Breast and ovarian cancer; Hereditary breast and ovarian cancer syndrome; Hereditary breast and/or ovarian cancer syndrome; Hereditary breast and ovarian cancer; BRCA1- and BRCA2-Associated Hereditary Breast and Ovarian Cancer. Identifiers: Orphanet 145, MedGen C0677776, MeSH D061325, MONDO:0003582. Disease mechanism: loss of function.

Submissions (2):

Labcorp Genetics (formerly Invitae), Labcorp
Classification: Pathogenic for Hereditary breast ovarian cancer syndrome. Last evaluated: 2021-01-29. Review status: criteria provided, single submitter. Criteria: Invitae Variant Classification Sherloc (09022015). Collection method: clinical testing. Allele origin: germline.
Comment: For these reasons, this variant has been classified as Pathogenic. This variant has not been reported in the literature in individuals with BRCA1-related conditions. This variant is not present in population databases (ExAC no frequency). This sequence change creates a premature translational stop signal (p.Glu1581Leufs*3) in the BRCA1 gene. It is expected to result in an absent or disrupted protein product. Loss-of-function variants in BRCA1 are known to be pathogenic (PMID: 20104584).

Ambry Genetics
Classification: Pathogenic for Hereditary cancer-predisposing syndrome. Last evaluated: 2018-08-01. Review status: criteria provided, single submitter. Criteria: Ambry Variant Classification Scheme 2023. Collection method: clinical testing. Allele origin: germline.
Comment: The c.4710_4740dup31 variant, located in coding exon 14 of the BRCA1 gene, results from a duplication of CTTCTCTGATGACCCTGAATCTGATCCTTCT at nucleotide position 4710, causing a translational frameshift with a predicted alternate stop codon (p.E1581Lfs*3). This alteration is expected to result in loss of function by premature protein truncation or nonsense-mediated mRNA decay. As such, this alteration is interpreted as a disease-causing mutation.

Literature cited by the submitters: PubMed 20104584 (cited by Labcorp Genetics (formerly Invitae), Labcorp).